The following is an entry in ClinVar:

ClinVar aggregate classification (germline): Pathogenic (1 of 4 stars; one submission).

Conditions:
Primary ciliary dyskinesia. Also called: Ciliary dyskinesia. Identifiers: Orphanet 244, MedGen C0008780, MONDO:0016575, HP:0012265.

Submission:

Labcorp Genetics (formerly Invitae), Labcorp
Classification: Pathogenic for Primary ciliary dyskinesia. Last evaluated: 2021-10-31. Review status: criteria provided, single submitter. Criteria: Invitae Variant Classification Sherloc (09022015). Collection method: clinical testing. Allele origin: germline.
Comment: This variant is not present in population databases (gnomAD no frequency). This sequence change affects an acceptor splice site in intron 52 of the DNAH5 gene. It is expected to disrupt RNA splicing. Variants that disrupt the donor or acceptor splice site typically lead to a loss of protein function (PMID: 16199547), and loss-of-function variants in DNAH5 are known to be pathogenic (PMID: 11788826, 16627867). For these reasons, this variant has been classified as Pathogenic. Algorithms developed to predict the effect of sequence changes on RNA splicing suggest that this variant may disrupt the consensus splice site. Disruption of this splice site has been observed in individual(s) with primary ciliary dyskinesia (Invitae).

Literature cited by the submitters: PubMed 16199547; PubMed 11788826; PubMed 16627867.

NM_001369.3(DNAH5):c.8821-1G>A

Gene: DNAH5 (dynein axonemal heavy chain 5; minus strand). Cytogenetic location: 5p15.2.
Variant type: single nucleotide variant.
Coding change: c.8821-1G>A on transcript NM_001369.3 (MANE Select); the canonical splice acceptor site of the intron before coding-DNA position 8821, G replaced by A.
Molecular consequence: splice acceptor variant.
Genome position (GRCh38, 1-based): chr5:13,780,960, C>T on the plus strand (G>A on the coding strand, the complement: DNAH5 is on the minus strand). VCF-style: chr5-13780960-C-T. GRCh37 (hg19) VCF-style: chr5-13781069-C-T.
Identifiers: ClinVar variation 1452166 (VCV001452166.6), dbSNP rs1060501454, ClinGen allele CA359213005.
Genomic context (GRCh38, chr5:13,780,960, plus strand): 5'-TGATCCGCCCACCCCGACCAGGAGGGCATTTCCCTGAGGAGTACGAATGACACGAGAGAT[C>T]TGTAATATGGAACAGAAAAAGTATGTATCTTTCAACATGTAAATGTTCTATTTTTCCTAT-3'